The following is an entry in ClinVar:

ClinVar aggregate classification (germline): Uncertain significance (1 of 4 stars; one submission).

gnomAD v4.1: 10 of 1,612,992 alleles (0.00062%); highest among the groups gnomAD compares: Non-Finnish European, 0.00085%; no homozygotes.

Submission:

GeneDx
Classification: Uncertain significance. Last evaluated: 2025-03-25. Review status: criteria provided, single submitter. Criteria: GeneDx Variant Classification Process June 2021. Collection method: clinical testing. Allele origin: germline. Affected: yes.
Comment: Not observed at significant frequency in large population cohorts (gnomAD); In silico analysis supports that this missense variant has a deleterious effect on protein structure/function; Has not been previously published as pathogenic or benign to our knowledge

NM_001018115.3(FANCD2):c.1691C>T (p.Ser564Phe)

Genes: FANCD2 (FA complementation group D2; plus strand), LOC107303338 (3p25 FANCD2 Alu-mediated recombination region; plus strand). Cytogenetic location: 3p25.3.
Variant type: single nucleotide variant.
Coding change: c.1691C>T on transcript NM_001018115.3 (MANE Select); coding-DNA position 1691, C replaced by T.
Protein change: p.Ser564Phe; replaces serine 564 with phenylalanine.
Molecular consequence: missense variant.
Genome position (GRCh38, 1-based): chr3:10,060,328, C>T. VCF-style: chr3-10060328-C-T. GRCh37 (hg19) VCF-style: chr3-10102012-C-T.
Other names: c.1691C>T, p.Ser564Phe (NM_001319984.2, NM_001374254.1, NM_033084.6); c.1580C>T, p.Ser527Phe (NM_001374253.1); short protein forms S527F, S564F.
Identifiers: ClinVar variation 4087813 (VCV004087813.1).
Genomic context (GRCh38, chr3:10,060,328, plus strand): 5'-CATCTTTCTTCATCATCTCATTGCAGGATGACATGCACTTGGTGATAAGAAAGCAGCTCT[C>T]TAGCACCGTATTCAAGTACAAGCTCATTGGGATTATTGGTGCTGTGACCATGGCTGGCAT-3'
Protein context (NP_001018125.1, residues 554-574): DMHLVIRKQL[Ser564Phe]STVFKYKLIG